The following is an entry in ClinVar:

ClinVar aggregate classification (germline): Uncertain significance (1 of 4 stars; one submission).

Allele frequency attached by ClinVar (database versions not stated): gnomAD exomes 0.00002.
gnomAD v4.1: 27 of 1,614,128 alleles (0.0017%); highest among the groups gnomAD compares: Non-Finnish European, 0.0022%; no homozygotes.

Submission:

Labcorp Genetics (formerly Invitae), Labcorp
Classification: Uncertain significance. Last evaluated: 2025-10-15. Review status: criteria provided, single submitter. Criteria: Invitae Variant Classification Sherloc (09022015). Collection method: clinical testing. Allele origin: germline.
Comment: This sequence change replaces aspartic acid, which is acidic and polar, with tyrosine, which is neutral and polar, at codon 681 of the CEP97 protein (p.Asp681Tyr). This variant is present in population databases (no rsID available, gnomAD 0.0009%). This variant has not been reported in the literature in individuals affected with CEP97-related conditions. ClinVar contains an entry for this variant (Variation ID: 1931363). Invitae Evidence Modeling of protein sequence and biophysical properties (such as structural, functional, and spatial information, amino acid conservation, physicochemical variation, residue mobility, and thermodynamic stability) indicates that this missense variant is not expected to disrupt CEP97 protein function with a negative predictive value of 80%. In summary, the available evidence is currently insufficient to determine the role of this variant in disease. Therefore, it has been classified as a Variant of Uncertain Significance.

NM_024548.4(CEP97):c.2041G>T (p.Asp681Tyr)

Gene: CEP97 (centrosomal protein 97; plus strand). Cytogenetic location: 3q12.3.
Variant type: single nucleotide variant.
Coding change: c.2041G>T on transcript NM_024548.4 (MANE Select); coding-DNA position 2041, G replaced by T.
Protein change: p.Asp681Tyr; replaces aspartic acid 681 with tyrosine.
Molecular consequence: missense variant.
Genome position (GRCh38, 1-based): chr3:101,764,994, G>T. VCF-style: chr3-101764994-G-T. GRCh37 (hg19) VCF-style: chr3-101483838-G-T.
Other names: c.1864G>T, p.Asp622Tyr (NM_001303401.2); c.1939G>T, p.Asp647Tyr (NM_001410784.1); c.1762G>T, p.Asp588Tyr (NM_001410785.1); short protein forms D647Y, D588Y, D622Y, D681Y.
Identifiers: ClinVar variation 1931363 (VCV001931363.5), dbSNP rs1405314603, ClinGen allele CA353881224.
Genomic context (GRCh38, chr3:101,764,994, plus strand): 5'-GTGCCATCGAAACATCCATTATTTACCCAAAGCCAGGAGTCCTCTTGTGATCAAAATGCT[G>T]ATTGGTTTATTGCTTCTGATGTAGCTCCTCAAGAGAAATCATTACCAGAATTTCCAGACT-3'
Protein context (NP_078824.2, residues 671-691): SQESSCDQNA[Asp681Tyr]WFIASDVAPQ